The following is an entry in ClinVar:

ClinVar aggregate classification (germline): Uncertain significance (1 of 4 stars; one submission).

Conditions:
Immunodeficiency 67. Also called: Immunodeficiency due to interleukin-1 receptor-associated kinase-4 deficiency. Identifiers: Orphanet 70592, MedGen C1843256, MONDO:0011888, OMIM 607676.

Allele frequency attached by ClinVar (database versions not stated): TOPMed below 0.00001; gnomAD exomes 0.00001; ExAC 0.00002.
gnomAD v4.1: 3 of 1,613,100 alleles (0.00019%); highest among the groups gnomAD compares: Middle Eastern, 0.033%; no homozygotes.

Submission:

Labcorp Genetics (formerly Invitae), Labcorp
Classification: Uncertain significance for Immunodeficiency 67. Last evaluated: 2019-01-22. Review status: criteria provided, single submitter. Criteria: Invitae Variant Classification Sherloc (09022015). Collection method: clinical testing. Allele origin: germline.
Comment: This variant is present in population databases (rs780919244, ExAC 0.003%). In summary, the available evidence is currently insufficient to determine the role of this variant in disease. Therefore, it has been classified as a Variant of Uncertain Significance. Algorithms developed to predict the effect of missense changes on protein structure and function output the following: SIFT: "Tolerated"; PolyPhen-2: "Benign"; Align-GVGD: "Class C0". The arginine amino acid residue is found in multiple mammalian species, suggesting that this missense change does not adversely affect protein function. These predictions have not been confirmed by published functional studies and their clinical significance is uncertain. This variant has not been reported in the literature in individuals with IRAK4-related conditions. This sequence change replaces lysine with arginine at codon 156 of the IRAK4 protein (p.Lys156Arg). The lysine residue is weakly conserved and there is a small physicochemical difference between lysine and arginine.

NM_016123.4(IRAK4):c.467A>G (p.Lys156Arg)

Gene: IRAK4 (interleukin 1 receptor associated kinase 4; plus strand). Cytogenetic location: 12q12.
Variant type: single nucleotide variant.
Coding change: c.467A>G on transcript NM_016123.4 (MANE Select); coding-DNA position 467, A replaced by G.
Protein change: p.Lys156Arg; replaces lysine 156 with arginine.
Molecular consequence: missense variant. On other transcripts: 5 prime UTR variant (2).
Genome position (GRCh38, 1-based): chr12:43,772,339, A>G. VCF-style: chr12-43772339-A-G. GRCh37 (hg19) VCF-style: chr12-44166142-A-G.
Other names: c.467A>G, p.Lys156Arg (NM_001114182.3, NM_001351345.2); c.95A>G, p.Lys32Arg (NM_001145256.2, NM_001145257.2, NM_001145258.2 and 5 more transcripts); c.-57A>G (NM_001351343.2, NM_001351344.2); short protein forms K32R, K156R.
Identifiers: ClinVar variation 860771 (VCV000860771.9), dbSNP rs780919244, ClinGen allele CA6522370.
Genomic context (GRCh38, chr12:43,772,339, plus strand): 5'-CACCTGTGCAGAATCTTGAACAAAGCTATATGCCACCTGACTCCTCAAGTCCAGAAAATA[A>G]AAGTTTAGAAGTTAGTGATACACGTAAGTAACATTTTCAGTGCTTTCCACTAGGGATTTG-3'
Protein context (NP_057207.2, residues 146-166): MPPDSSSPEN[Lys156Arg]SLEVSDTRFH